The following is an entry in ClinVar:

ClinVar aggregate classification (germline): Uncertain significance (1 of 4 stars; one submission).

Conditions:
Immunodeficiency 104. Also called: Severe combined immunodeficiency, autosomal recessive, T cell-negative, B cell-positive, NK cell-positive; IMMUNODEFICIENCY 104, SEVERE COMBINED; SCID, AUTOSOMAL RECESSIVE, T CELL-NEGATIVE, B CELL-POSITIVE, NK CELL-POSITIVE; Severe Combined Immune Deficiency, Autosomal Recessive, TCell -Negative, B Cell-Positive, NK Cell-Positive, IL7R-Related. Identifiers: MedGen C5676890, MONDO:0012163, OMIM 608971.

Submission:

Labcorp Genetics (formerly Invitae), Labcorp
Classification: Uncertain significance for Immunodeficiency 104. Last evaluated: 2019-02-18. Review status: criteria provided, single submitter. Criteria: Invitae Variant Classification Sherloc (09022015). Collection method: clinical testing. Allele origin: germline.
Comment: Algorithms developed to predict the effect of missense changes on protein structure and function (SIFT, PolyPhen-2, Align-GVGD) all suggest that this variant is likely to be tolerated, but these predictions have not been confirmed by published functional studies and their clinical significance is uncertain. In summary, the available evidence is currently insufficient to determine the role of this variant in disease. Therefore, it has been classified as a Variant of Uncertain Significance. This variant has not been reported in the literature in individuals with IL7R-related conditions. This variant is not present in population databases (ExAC no frequency). This sequence change replaces glutamine with histidine at codon 338 of the IL7R protein (p.Gln338His). The glutamine residue is highly conserved and there is a small physicochemical difference between glutamine and histidine.

NM_002185.5(IL7R):c.1014G>C (p.Gln338His)

Gene: IL7R (interleukin 7 receptor; plus strand). Cytogenetic location: 5p13.2.
Variant type: single nucleotide variant.
Coding change: c.1014G>C on transcript NM_002185.5 (MANE Select); coding-DNA position 1014, G replaced by C.
Protein change: p.Gln338His; replaces glutamine 338 with histidine.
Molecular consequence: missense variant. On other transcripts: non-coding transcript variant (1).
Genome position (GRCh38, 1-based): chr5:35,876,120, G>C. VCF-style: chr5-35876120-G-C. GRCh37 (hg19) VCF-style: chr5-35876222-G-C.
Other names: short protein forms Q338H.
Identifiers: ClinVar variation 840046 (VCV000840046.10), dbSNP rs1760201906, ClinGen allele CA359432545.